The following is an entry in ClinVar:

ClinVar aggregate classification (germline): Uncertain significance (1 of 4 stars; one submission).

Submission:

GeneDx
Classification: Uncertain significance. Last evaluated: 2025-06-06. Review status: criteria provided, single submitter. Criteria: GeneDx Variant Classification Process June 2021. Collection method: clinical testing. Allele origin: germline. Affected: yes.
Comment: Not observed at significant frequency in large population cohorts (gnomAD); In silico analysis suggests that this missense variant does not alter protein structure/function; Has not been previously published as pathogenic or benign to our knowledge; Reported using an alternate transcript of the gene

NM_001366145.2(TRPM3):c.144C>A (p.His48Gln)

Gene: TRPM3 (transient receptor potential cation channel subfamily M member 3; minus strand). Cytogenetic location: 9q21.12.
Variant type: single nucleotide variant.
Coding change: c.144C>A on transcript NM_001366145.2 (MANE Select); coding-DNA position 144, C replaced by A.
Protein change: p.His48Gln; replaces histidine 48 with glutamine.
Molecular consequence: missense variant. On other transcripts: intron variant (4).
Genome position (GRCh38, 1-based): chr9:71,121,211, G>T on the plus strand (C>A on the coding strand, the complement: TRPM3 is on the minus strand). VCF-style: chr9-71121211-G-T. GRCh37 (hg19) VCF-style: chr9-73736127-G-T.
Other names: c.144C>A, p.His48Gln (NM_001007471.4, NM_001366146.2, NM_001366147.2 and 6 more transcripts); c.184-256700C>A (NM_001366143.2, NM_001366141.2, NM_001366142.2 and 1 more transcripts); short protein forms H48Q.
Identifiers: ClinVar variation 4536177 (VCV004536177.1).